The following is an entry in ClinVar:

NM_004006.3(DMD):c.9225-176C>A

Gene: DMD (dystrophin; minus strand). Cytogenetic location: Xp21.2.
Variant type: single nucleotide variant.
Coding change: c.9225-176C>A on transcript NM_004006.3 (MANE Select); 176 bases into the intron before coding-DNA position 9225, C replaced by A.
Molecular consequence: intron variant.
Genome position (GRCh38, 1-based): chrX:31,261,192, G>T on the plus strand (C>A on the coding strand, the complement: DMD is on the minus strand). VCF-style: chrX-31261192-G-T. GRCh37 (hg19) VCF-style: chrX-31279309-G-T.
Other names: c.9201-176C>A (NM_000109.4); c.5202-176C>A (NM_004011.4); c.5193-176C>A (NM_004012.4); c.1845-176C>A (NM_004023.3, NM_004020.4, NM_004022.3 and 2 more transcripts); c.1038-176C>A (NM_004014.3); c.21-176C>A (NM_004018.3, NM_004017.3, NM_004016.3 and 2 more transcripts); c.9213-176C>A (NM_004009.3); c.8856-176C>A (NM_004010.3).
Identifiers: ClinVar variation 387169 (VCV000387169.1), dbSNP rs763585906, ClinGen allele CA16608427.

ClinVar aggregate classification (germline): Likely benign (1 of 4 stars; one submission).

Allele frequency attached by ClinVar (database versions not stated): TOPMed 0.00004 and 0.00003; gnomAD 0.00005.
gnomAD v4.1: 10 of 433,310 alleles (0.0023%); highest among the groups gnomAD compares: Non-Finnish European, 0.004%; no homozygotes.

Submission:

GeneDx
Classification: Likely benign. Last evaluated: 2016-06-24. Review status: criteria provided, single submitter. Criteria: GeneDx Variant Classification (06012015). Collection method: clinical testing. Allele origin: germline. Affected: yes.
Comment: This variant is considered likely benign or benign based on one or more of the following criteria: it is a conservative change, it occurs at a poorly conserved position in the protein, it is predicted to be benign by multiple in silico algorithms, and/or has population frequency not consistent with disease.